The following is an entry in ClinVar:

NM_001374736.1(DST):c.1999T>C (p.Tyr667His)

Gene: DST (dystonin; minus strand). Cytogenetic location: 6p12.1.
Variant type: single nucleotide variant.
Coding change: c.1999T>C on transcript NM_001374736.1 (MANE Select); coding-DNA position 1999, T replaced by C.
Protein change: p.Tyr667His; replaces tyrosine 667 with histidine.
Molecular consequence: missense variant.
Genome position (GRCh38, 1-based): chr6:56,641,975, A>G on the plus strand (T>C on the coding strand, the complement: DST is on the minus strand). VCF-style: chr6-56641975-A-G. GRCh37 (hg19) VCF-style: chr6-56506773-A-G.
Other names: c.1900T>C, p.Tyr634His (NM_001144769.5); c.1486T>C, p.Tyr496His (NM_001144770.2); c.1999T>C, p.Tyr667His (NM_001374722.1); c.1366T>C, p.Tyr456His (NM_001374729.1, NM_001374730.1, NM_001386100.1 and 1 more transcripts); c.2026T>C, p.Tyr676His (NM_001374734.1); c.388T>C, p.Tyr130His (NM_001723.7, NM_015548.5); short protein forms Y456H, Y667H, Y496H, Y634H, Y130H, Y676H.
Identifiers: ClinVar variation 1047524 (VCV001047524.9), dbSNP rs2098910205, ClinGen allele CA364614876.

ClinVar aggregate classification (germline): Uncertain significance (1 of 4 stars; one submission).

Conditions:
Hereditary sensory and autonomic neuropathy type 6. Also called: Neuropathy, hereditary sensory and autonomic, type VI; HSAN VI. Identifiers: Orphanet 314381, MedGen C3539003, MONDO:0013839, OMIM 614653.
Epidermolysis bullosa simplex 3, localized or generalized intermediate, with BP230 deficiency (EBS3). Also called: Epidermolysis bullosa simplex, autosomal recessive 2; Epidermolysis bullosa simplex due to BP230 deficiency. Identifiers: Orphanet 412181, MedGen C3809470, MONDO:0014180, OMIM 615425.

Submission:

Labcorp Genetics (formerly Invitae), Labcorp
Classification: Uncertain significance for Epidermolysis bullosa simplex 3, localized or generalized intermediate, with BP230 deficiency; Hereditary sensory and autonomic neuropathy type 6. Last evaluated: 2020-06-04. Review status: criteria provided, single submitter. Criteria: Invitae Variant Classification Sherloc (09022015). Collection method: clinical testing. Allele origin: germline.
Comment: This variant has not been reported in the literature in individuals with DST-related conditions. This sequence change replaces tyrosine with histidine at codon 130 of the DST protein (p.Tyr130His). The tyrosine residue is highly conserved and there is a moderate physicochemical difference between tyrosine and histidine. This variant is not present in population databases (ExAC no frequency). Algorithms developed to predict the effect of missense changes on protein structure and function (SIFT, PolyPhen-2, Align-GVGD) all suggest that this variant is likely to be disruptive, but these predictions have not been confirmed by published functional studies and their clinical significance is uncertain. In summary, the available evidence is currently insufficient to determine the role of this variant in disease. Therefore, it has been classified as a Variant of Uncertain Significance.